The following is an entry in ClinVar:

ClinVar aggregate classification (germline): Uncertain significance (1 of 4 stars; one submission).

Conditions:
Hereditary cancer-predisposing syndrome. Also called: Neoplastic Syndromes, Hereditary; Tumor predisposition; Hereditary neoplastic syndrome; Hereditary Cancer Syndrome. Identifiers: Orphanet 140162, MedGen C0027672, MeSH D009386, MONDO:0015356.

Submission:

Ambry Genetics
Classification: Uncertain significance for Hereditary cancer-predisposing syndrome. Last evaluated: 2026-06-29. Review status: criteria provided, single submitter. Criteria: Ambry Variant Classification Scheme 2023. Collection method: clinical testing. Allele origin: germline.
Comment: The p.N1215D variant (also known as c.3643A>G), located in coding exon 9 of the BRCA1 gene, results from an A to G substitution at nucleotide position 3643. The asparagine at codon 1215 is replaced by aspartic acid, an amino acid with highly similar properties. This amino acid position is not well conserved in available vertebrate species. In addition, this alteration is predicted to be tolerated by in silico analysis. Based on the available evidence, the clinical significance of this variant remains unclear.

NM_007294.4(BRCA1):c.3643A>G (p.Asn1215Asp)

Genes: BRCA1 (BRCA1 DNA repair associated; minus strand), LOC126862571 (BRD4-independent group 4 enhancer GRCh37_chr17:41243136-41244335; plus strand). Cytogenetic location: 17q21.31.
Variant type: single nucleotide variant.
Coding change: c.3643A>G on transcript NM_007294.4 (MANE Select); coding-DNA position 3643, A replaced by G.
Protein change: p.Asn1215Asp; replaces asparagine 1215 with aspartic acid.
Molecular consequence: missense variant. On other transcripts: intron variant (135).
Genome position (GRCh38, 1-based): chr17:43,091,888, T>C on the plus strand (A>G on the coding strand, the complement: BRCA1 is on the minus strand). VCF-style: chr17-43091888-T-C. GRCh37 (hg19) VCF-style: chr17-41243905-T-C.
Other names: c.3520A>G, p.Asn1174Asp (NM_001407681.1, NM_001407682.1, NM_001407683.1 and 19 more transcripts); c.3643A>G, p.Asn1215Asp (NM_001407684.1, NM_001407581.1, NM_001407582.1 and 30 more transcripts); c.3517A>G, p.Asn1173Asp (NM_001407685.1, NM_001407686.1, NM_001407687.1 and 11 more transcripts); c.3502A>G, p.Asn1168Asp (NM_001407692.1, NM_001407694.1, NM_001407695.1 and 29 more transcripts); c.3430A>G, p.Asn1144Asp (NM_001407571.1, NM_001407853.1, NM_001407894.1 and 9 more transcripts); c.3640A>G, p.Asn1214Asp (NM_001407587.1, NM_001407590.1, NM_001407591.1 and 22 more transcripts); c.578-856A>G (NM_001408485.1, NM_001408483.1, NM_001408481.1 and 9 more transcripts); c.662-856A>G (NM_001408447.1, NM_001408433.1, NM_001408446.1 and 6 more transcripts); and 41 more; short protein forms N1087D, N1088D, N1126D, N1168D, N1173D, N1189D, N1215D, N1047D.
Identifiers: ClinVar variation 5033153 (VCV005033153.1).